The following is an entry in ClinVar:

NM_015662.3(IFT172):c.4548C>A (p.Asn1516Lys)

Gene: IFT172 (intraflagellar transport 172; minus strand). Cytogenetic location: 2p23.3.
Variant type: single nucleotide variant.
Coding change: c.4548C>A on transcript NM_015662.3 (MANE Select); coding-DNA position 4548, C replaced by A.
Protein change: p.Asn1516Lys; replaces asparagine 1516 with lysine.
Molecular consequence: missense variant.
Genome position (GRCh38, 1-based): chr2:27,447,626, G>T on the plus strand (C>A on the coding strand, the complement: IFT172 is on the minus strand). VCF-style: chr2-27447626-G-T. GRCh37 (hg19) VCF-style: chr2-27670493-G-T.
Other names: c.4482C>A, p.Asn1494Lys (NM_001410739.1); short protein forms N1494K, N1516K.
Identifiers: ClinVar variation 3603154 (VCV003603154.1).
Genomic context (GRCh38, chr2:27,447,626, plus strand): 5'-CAGCAGCATCGTCTTGAACTCCTCATGGGCTGGAGAGTTTGCCTCACTGGACTTCACCAG[G>T]TTTTCACACTAGAGGAGGGAGACAGCACAGCCTGGCTCAGGGGTCAGAGGAGTGCCAGGG-3'
Protein context (NP_056477.1, residues 1506-1526): LRDVLFNLCE[Asn1516Lys]LVKSSEANSP

ClinVar aggregate classification (germline): Uncertain significance (1 of 4 stars; one submission).

Submission:

GeneDx
Classification: Uncertain significance. Last evaluated: 2024-08-08. Review status: criteria provided, single submitter. Criteria: GeneDx Variant Classification Process June 2021. Collection method: clinical testing. Allele origin: germline. Affected: yes.
Comment: Not observed at significant frequency in large population cohorts (gnomAD); In silico analysis supports that this missense variant has a deleterious effect on protein structure/function; Has not been previously published as pathogenic or benign to our knowledge